The following is an entry in ClinVar:

ClinVar aggregate classification (germline): Conflicting classifications of pathogenicity. Review status: criteria provided, conflicting classifications (1 of 4 stars). 3 submissions from 3 submitters: Uncertain significance (2); Likely benign (1). Last evaluated 2023-03-31.

Allele frequency attached by ClinVar (database versions not stated): gnomAD exomes below 0.00001.
gnomAD v4.1: 1 of 1,568,126 alleles (0.000064%); highest among the groups gnomAD compares: Non-Finnish European, 0.000088%; no homozygotes.

Submissions (3):

Blueprint Genetics
Classification: Likely benign. Last evaluated: 2023-03-31. Review status: criteria provided, single submitter. Criteria: ACMG Guidelines, 2015. Collection method: clinical testing. Allele origin: germline.

Labcorp Genetics (formerly Invitae), Labcorp
Classification: Uncertain significance. Last evaluated: 2022-09-10. Review status: criteria provided, single submitter. Criteria: Invitae Variant Classification Sherloc (09022015). Collection method: clinical testing. Allele origin: germline.
Comment: This sequence change falls in intron 83 of the ADGRV1 gene. It does not directly change the encoded amino acid sequence of the ADGRV1 protein. It affects a nucleotide within the consensus splice site. This variant is not present in population databases (gnomAD no frequency). This variant has not been reported in the literature in individuals affected with ADGRV1-related conditions. ClinVar contains an entry for this variant (Variation ID: 179907). Variants that disrupt the consensus splice site are a relatively common cause of aberrant splicing (PMID: 17576681, 9536098). Algorithms developed to predict the effect of sequence changes on RNA splicing suggest that this variant is not likely to affect RNA splicing. In summary, the available evidence is currently insufficient to determine the role of this variant in disease. Therefore, it has been classified as a Variant of Uncertain Significance.

Laboratory for Molecular Medicine, Mass General Brigham Personalized Medicine
Classification: Uncertain significance. Last evaluated: 2014-07-22. Review status: criteria provided, single submitter. Criteria: LMM Criteria. Collection method: clinical testing. Allele origin: germline. Observed: 1 variant allele.
Comment: Variant classified as Uncertain Significance - Favor Benign. The 17856+4G>A vari ant in GPR98 has not been reported in individuals with hearing loss and was abse nt from large population studies. This variant is located in the 5' splice regio n. Computational tools do not suggest an impact to splicing. However, this infor mation is not predictive enough to rule out pathogenicity. In summary, while the clinical significance of the 17856+4G>A variant is uncertain, these data sugges t that is more likely to be benign.

Literature cited by the submitters: PubMed 17576681 (cited by Labcorp Genetics (formerly Invitae), Labcorp); PubMed 9536098 (cited by Labcorp Genetics (formerly Invitae), Labcorp).

NM_032119.4(ADGRV1):c.17856+4G>A

Gene: ADGRV1 (adhesion G protein-coupled receptor V1; plus strand). Cytogenetic location: 5q14.3.
Variant type: single nucleotide variant.
Coding change: c.17856+4G>A on transcript NM_032119.4 (MANE Select); 4 bases into the intron after coding-DNA position 17856, G replaced by A.
Molecular consequence: intron variant.
Genome position (GRCh38, 1-based): chr5:90,863,861, G>A. VCF-style: chr5-90863861-G-A. GRCh37 (hg19) VCF-style: chr5-90159678-G-A.
Identifiers: ClinVar variation 179907 (VCV000179907.7), dbSNP rs727505212, ClinGen allele CA185400.